The following is an entry in ClinVar:

ClinVar aggregate classification (germline): Benign. Review status: criteria provided, single submitter (1 of 4 stars). 2 submissions from 2 submitters: Benign (1). 1 of the submissions does not count toward it. Last evaluated 2019-12-31.

Conditions:
THBS2-related disorder. Also called: THBS2-related condition.

Allele frequency attached by ClinVar (database versions not stated): gnomAD 0.02410 and 0.02576; TOPMed 0.02616; ESP Exome Variant Server 0.02730; 1000 Genomes Project 0.03075; 1000 Genomes Project 30x 0.03342.
gnomAD v4.1: 7,058 of 1,613,866 alleles (0.44%); highest among the groups gnomAD compares: African/African-American, 8.3%; 281 homozygotes.

Submissions (7):

Labcorp Genetics (formerly Invitae), Labcorp
Classification: Benign. Last evaluated: 2019-12-31. Review status: criteria provided, single submitter. Criteria: Invitae Variant Classification Sherloc (09022015). Collection method: clinical testing. Allele origin: germline.

PreventionGenetics, part of Exact Sciences
Classification: Benign for THBS2-related condition. Last evaluated: 2019-04-11. Review status: no assertion criteria provided. Collection method: clinical testing. Allele origin: germline. Not counted in ClinVar's aggregate classification.
Comment: This variant is classified as benign based on ACMG/AMP sequence variant interpretation guidelines (Richards et al. 2015 PMID: 25741868, with internal and published modifications).

Dr. Peter K. Rogan Lab, Western University
No classification provided (evidence only). Condition: Lung cancer. Review status: no classification provided. Collection method: in vitro. Allele origin: not applicable. Functional consequence: retained intron. Not counted in ClinVar's aggregate classification.

Dr. Peter K. Rogan Lab, Western University
No classification provided (evidence only). Condition: Lung cancer. Review status: no classification provided. Collection method: in vitro. Allele origin: not applicable. Functional consequence: retained intron. Not counted in ClinVar's aggregate classification.

Dr. Peter K. Rogan Lab, Western University
No classification provided (evidence only). Condition: Cervical cancer. Review status: no classification provided. Collection method: in vitro. Allele origin: not applicable. Functional consequence: retained intron. Not counted in ClinVar's aggregate classification.

Dr. Peter K. Rogan Lab, Western University
No classification provided (evidence only). Condition: Ovarian serous cystadenocarcinoma. Review status: no classification provided. Collection method: in vitro. Allele origin: not applicable. Functional consequence: retained intron. Not counted in ClinVar's aggregate classification.

Dr. Peter K. Rogan Lab, Western University
No classification provided (evidence only). Condition: Gastric cancer. Review status: no classification provided. Collection method: in vitro. Allele origin: not applicable. Functional consequence: retained intron. Not counted in ClinVar's aggregate classification.

NM_003247.5(THBS2):c.3441C>T (p.Gly1147=)

Genes: THBS2 (thrombospondin 2; minus strand), THBS2-AS1 (THBS2 antisense RNA 1; plus strand). Cytogenetic location: 6q27.
Variant type: single nucleotide variant.
Coding change: c.3441C>T on transcript NM_003247.5 (MANE Select); coding-DNA position 3441, C replaced by T.
Protein change: p.Gly1147=; no amino-acid change (glycine 1147 retained).
Molecular consequence: synonymous variant. On other transcripts: non-coding transcript variant (2).
Genome position (GRCh38, 1-based): chr6:169,220,268, G>A on the plus strand (C>T on the coding strand, the complement: THBS2 is on the minus strand). VCF-style: chr6-169220268-G-A. GRCh37 (hg19) VCF-style: chr6-169620363-G-A.
Other names: NC_000006.11:g.169620363G>A; c.3267C>T, p.Gly1089= (NM_001381939.1); c.3210C>T, p.Gly1070= (NM_001381942.1).
Identifiers: ClinVar variation 787843 (VCV000787843.7), dbSNP rs59953407, ClinGen allele CA4102661.